The following is an entry in ClinVar:

ClinVar aggregate classification (germline): Pathogenic/Likely pathogenic. Review status: criteria provided, multiple submitters, no conflicts (2 of 4 stars). 4 submissions from 4 submitters: Pathogenic (3); Likely pathogenic (1). Last evaluated 2025-02-11.

Conditions:
Hereditary nonpolyposis colon cancer (HNPCC). Also called: Hereditary Nonpolyposis Colorectal Cancer Syndrome; Hereditary nonpolyposis colorectal cancer; Familial nonpolyposis colon cancer. Identifiers: Orphanet 443909, MedGen C1333990, MONDO:0018630. Disease mechanism: loss of function.
Hereditary nonpolyposis colorectal neoplasms. Identifiers: MedGen C0009405, MeSH D003123.
Lynch syndrome 5 (LYNCH5). Also called: Hereditary non-polyposis colorectal cancer, type 5; Colorectal cancer, hereditary nonpolyposis, type 5. Identifiers: Orphanet 144, MedGen C1833477, MONDO:0013710, OMIM 614350. Disease mechanism: loss of function.

Submissions (4):

Labcorp Genetics (formerly Invitae), Labcorp
Classification: Pathogenic for Hereditary nonpolyposis colorectal neoplasms. Last evaluated: 2025-02-11. Review status: criteria provided, single submitter. Criteria: Invitae Variant Classification Sherloc (09022015). Collection method: clinical testing. Allele origin: germline.
Comment: This sequence change creates a premature translational stop signal (p.Ser602*) in the MSH6 gene. It is expected to result in an absent or disrupted protein product. Loss-of-function variants in MSH6 are known to be pathogenic (PMID: 18269114, 24362816). This variant is not present in population databases (gnomAD no frequency). This premature translational stop signal has been observed in individual(s) with colorectal cancer (PMID: 28528517). ClinVar contains an entry for this variant (Variation ID: 410441). For these reasons, this variant has been classified as Pathogenic.

Myriad Genetics, Inc.
Classification: Pathogenic for Lynch syndrome 5. Last evaluated: 2023-08-15. Review status: criteria provided, single submitter. Criteria: Myriad Autosomal Dominant, Autosomal Recessive and X-Linked Classification Criteria (2023). Collection method: clinical testing. Allele origin: unknown.
Comment: This variant is considered pathogenic. This variant creates a termination codon and is predicted to result in premature protein truncation.

Revvity Omics, Revvity
Classification: Pathogenic. Last evaluated: 2022-05-27. Review status: criteria provided, single submitter. Criteria: ACMG Guidelines, 2015. Collection method: clinical testing. Allele origin: germline.

Women's Health and Genetics/Laboratory Corporation of America, LabCorp
Classification: Likely pathogenic for Lynch syndrome. Last evaluated: 2019-04-16. Review status: criteria provided, single submitter. Criteria: LabCorp Variant Classification Summary - May 2015. Collection method: clinical testing. Allele origin: germline.
Comment: Variant summary: MSH6 c.1805C>A (p.Ser602X) results in a premature termination codon, predicted to cause a truncation of the encoded protein or absence of the protein due to nonsense mediated decay, which are commonly known mechanisms for disease. Truncations downstream of this position have been classified as pathogenic by our laboratory (eg. c.2194C>T(p.Arg732X), c.2503C>T(p.Gln835X)). The variant was absent in 250434 control chromosomes (gnomAD) but has been reported in the literature in an individual affected with colon cancer (Morak_2017). Another variant with a different nucleotide change (c.1805C>G) but similar protein change has also been reported in the literature in an individual affected with renal/sarcoma/neuroectodermal tumor (Susswein_2015). These data indicate that the variant may be associated with disease. To our knowledge, no experimental evidence demonstrating an impact on protein function has been reported. One clinical diagnostic laboratory has submitted clinical-significance assessments for this variant to ClinVar after 2014 without evidence for independent evaluation and classified the variant as pathogenic. Based on the evidence outlined above, the variant was classified as likely pathogenic.

Literature cited by the submitters: PubMed 18269114 (cited by Labcorp Genetics (formerly Invitae), Labcorp); PubMed 24362816 (cited by Labcorp Genetics (formerly Invitae), Labcorp); PubMed 28528517 (cited by Labcorp Genetics (formerly Invitae), Labcorp and Women's Health and Genetics/Laboratory Corporation of America, LabCorp); PubMed 26681312 (cited by Women's Health and Genetics/Laboratory Corporation of America, LabCorp).

NM_000179.3(MSH6):c.1805C>A (p.Ser602Ter)

Gene: MSH6 (mutS homolog 6; plus strand). Cytogenetic location: 2p16.3.
Variant type: single nucleotide variant.
Coding change: c.1805C>A on transcript NM_000179.3 (MANE Select); coding-DNA position 1805, C replaced by A.
Protein change: p.Ser602Ter; replaces serine 602 with a stop codon.
Molecular consequence: nonsense.
Genome position (GRCh38, 1-based): chr2:47,799,788, C>A. VCF-style: chr2-47799788-C-A. GRCh37 (hg19) VCF-style: chr2-48026927-C-A.
Other names: c.1415C>A, p.Ser472Ter (NM_001281492.2); c.899C>A, p.Ser300Ter (NM_001281493.2, NM_001281494.2); short protein forms S602*, S300*, S472*.
Identifiers: ClinVar variation 410441 (VCV000410441.13), dbSNP rs730881816, ClinGen allele CA16610899.